The following is an entry in ClinVar:

NM_005751.5(AKAP9):c.5601+24T>C

Gene: AKAP9 (A-kinase anchoring protein 9; plus strand). Cytogenetic location: 7q21.2.
Variant type: single nucleotide variant.
Coding change: c.5601+24T>C on transcript NM_005751.5 (MANE Select); 24 bases into the intron after coding-DNA position 5601, T replaced by C.
Molecular consequence: intron variant.
Genome position (GRCh38, 1-based): chr7:92,052,982, T>C. VCF-style: chr7-92052982-T-C. GRCh37 (hg19) VCF-style: chr7-91682296-T-C.
Other names: c.5601+24T>C (NM_147185.3).
Identifiers: ClinVar variation 675824 (VCV000675824.1), dbSNP rs201843283, ClinGen allele CA4336812.
Genomic context (GRCh38, chr7:92,052,982, plus strand): 5'-AAAACTCCTAGAAGCCATAAGTGAAACTAGCAGTCAGGTAACCTCCTTATATTGCTAATA[T>C]GTACTGAGTTTGAAGTACAATATACTATCCCACTCTCTCGACTGAGCTAATTTTGATATT-3'

ClinVar aggregate classification (germline): Likely benign (1 of 4 stars; one submission).

Allele frequency attached by ClinVar (database versions not stated): gnomAD 0.00190 and 0.00226; ESP Exome Variant Server 0.00192; TOPMed 0.00221; gnomAD exomes 0.00331 and 0.00345; ExAC 0.00377; 1000 Genomes Project 30x 0.00390; 1000 Genomes Project 0.00399.
gnomAD v4.1: 4,979 of 1,561,880 alleles (0.32%); highest among the groups gnomAD compares: South Asian, 1.2%; 30 homozygotes.

Submission:

GeneDx
Classification: Likely benign. Last evaluated: 2018-06-14. Review status: criteria provided, single submitter. Criteria: GeneDx Variant Classification (06012015). Collection method: clinical testing. Allele origin: germline. Affected: yes.
Comment: This variant is considered likely benign or benign based on one or more of the following criteria: it is a conservative change, it occurs at a poorly conserved position in the protein, it is predicted to be benign by multiple in silico algorithms, and/or has population frequency not consistent with disease.